The following is an entry in ClinVar:

ClinVar aggregate classification (germline): Uncertain significance. Review status: criteria provided, single submitter (1 of 4 stars). 2 submissions from 2 submitters: Uncertain significance (1). 1 of the submissions does not count toward it. Last evaluated 2025-03-05.

Conditions:
PRPH2-related disorder. Also called: PRPH2-related disorders; PRPH2-related condition. Identifiers: MedGen CN239395.

Submissions (2):

Labcorp Genetics (formerly Invitae), Labcorp
Classification: Uncertain significance for PRPH2-related disorder. Last evaluated: 2025-03-05. Review status: criteria provided, single submitter. Criteria: Invitae Variant Classification Sherloc (09022015). Collection method: clinical testing. Allele origin: germline.
Comment: This sequence change replaces alanine, which is neutral and non-polar, with aspartic acid, which is acidic and polar, at codon 253 of the PRPH2 protein (p.Ala253Asp). This variant is not present in population databases (gnomAD no frequency). This missense change has been observed in individual(s) with PRPH2-related conditions (PMID: 25447119). ClinVar contains an entry for this variant (Variation ID: 1175301). Invitae Evidence Modeling of protein sequence and biophysical properties (such as structural, functional, and spatial information, amino acid conservation, physicochemical variation, residue mobility, and thermodynamic stability) indicates that this missense variant is expected to disrupt PRPH2 protein function with a positive predictive value of 95%. In summary, the available evidence is currently insufficient to determine the role of this variant in disease. Therefore, it has been classified as a Variant of Uncertain Significance.

Leiden Open Variation Database
Classification: Likely pathogenic. Last evaluated: 2021-04-06. Review status: no assertion criteria provided. Collection method: curation. Allele origin: germline. Affected: yes. Not counted in ClinVar's aggregate classification.
Comment: Curator: Global Variome, with Curator vacancy. Submitter to LOVD: Manon Peeters.

Literature cited by the submitters: PubMed 25447119 (cited by Labcorp Genetics (formerly Invitae), Labcorp and Leiden Open Variation Database).

NM_000322.5(PRPH2):c.758C>A (p.Ala253Asp)

Gene: PRPH2 (peripherin 2; minus strand). Cytogenetic location: 6p21.1.
Variant type: single nucleotide variant.
Coding change: c.758C>A on transcript NM_000322.5 (MANE Select); coding-DNA position 758, C replaced by A.
Protein change: p.Ala253Asp; replaces alanine 253 with aspartic acid.
Molecular consequence: missense variant.
Genome position (GRCh38, 1-based): chr6:42,704,435, G>T on the plus strand (C>A on the coding strand, the complement: PRPH2 is on the minus strand). VCF-style: chr6-42704435-G-T. GRCh37 (hg19) VCF-style: chr6-42672173-G-T.
Other names: short protein forms A253D.
Identifiers: ClinVar variation 1175301 (VCV001175301.6), dbSNP rs2152005234, ClinGen allele CA364134929.
Genomic context (GRCh38, chr6:42,704,435, plus strand): 5'-CAAATGAGGAGCGTGACGACACCCATGGAGTTCATGAGGCTGCTGTAGTAGCTCAGCAGG[G>T]CAGCCCTGCAGCCACGCACCCACAGGTTGAGCTCCTCCGTCTGGTGGTCGTAACTGTAGT-3'
Protein context (NP_000313.2, residues 243-263): LNLWVRGCRA[Ala253Asp]LLSYYSSLMN